The following is an entry in ClinVar:

ClinVar aggregate classification (germline): Likely pathogenic (1 of 4 stars; one submission).

Conditions:
Autosomal recessive limb-girdle muscular dystrophy. Identifiers: Orphanet 102015, MedGen C2931907, MONDO:0015152.

Submission:

Myriad Genetics, Inc.
Classification: Likely pathogenic for Autosomal recessive limb-girdle muscular dystrophy. Last evaluated: 2022-01-02. Review status: criteria provided, single submitter. Criteria: Myriad Autosomal Dominant, Autosomal Recessive and X-Linked Classification Criteria (2023). Collection method: clinical testing. Allele origin: unknown.
Comment: NM_003494.3(DYSF):c.4421_4422delTC(F1474Yfs*26) is expected to be pathogenic in the context of dysferlinopathy. This variant is predicted to lead to an abnormal or absent protein product due to the creation of a premature termination codon in DYSF, a gene where loss-of-function variants are known to be pathogenic. Please note: this variant was assessed in the context of healthy population screening.

NM_001130987.2(DYSF):c.4538_4539del (p.Phe1513fs)

Gene: DYSF (dysferlin; plus strand). Cytogenetic location: 2p13.2.
Variant type: Deletion.
Coding change: c.4538_4539del on transcript NM_001130987.2 (MANE Select); coding-DNA positions 4538 to 4539, 2 bases deleted (TC; older notation c.4538_4539delTC).
Protein change: p.Phe1513fs; shifts the reading frame from phenylalanine 1513.
Molecular consequence: frameshift variant.
Genome position (GRCh38, 1-based): chr2:71,643,975-71,643,976, TC deleted. VCF-style (leftmost placement, unchanged base first): chr2-71643974-TTC-T. GRCh37 (hg19) VCF-style: chr2-71871104-TTC-T.
Other names: c.4424_4425del, p.Phe1475fs (NM_001130455.2); c.4379_4380del, p.Phe1460fs (NM_001130976.2); c.4442_4443del, p.Phe1481fs (NM_001130977.2); c.4484_4485del, p.Phe1495fs (NM_001130978.2); c.4514_4515del, p.Phe1505fs (NM_001130979.2); c.4472_4473del, p.Phe1491fs (NM_001130980.2); c.4535_4536del, p.Phe1512fs (NM_001130981.2); c.4517_4518del, p.Phe1506fs (NM_001130982.2); and 5 more; short protein forms F1460fs, F1461fs, F1474fs, F1475fs, F1481fs, F1482fs, F1491fs, F1492fs.
Identifiers: ClinVar variation 1726964 (VCV001726964.3), dbSNP rs2546398160, ClinGen allele CA2580067791.